The following is an entry in ClinVar:

NM_001127898.4(CLCN5):c.2140A>G (p.Ile714Val)

Genes: CLCN5 (Cl-/H+ antiporter 5; plus strand), LOC126863258 (BRD4-independent group 4 enhancer GRCh37_chrX:49854497-49855696; plus strand). Cytogenetic location: Xp11.23.
Variant type: single nucleotide variant.
Coding change: c.2140A>G on transcript NM_001127898.4 (MANE Select); coding-DNA position 2140, A replaced by G.
Protein change: p.Ile714Val; replaces isoleucine 714 with valine.
Molecular consequence: missense variant.
Genome position (GRCh38, 1-based): chrX:50,090,511, A>G. VCF-style: chrX-50090511-A-G. GRCh37 (hg19) VCF-style: chrX-49855168-A-G.
Other names: c.1930A>G, p.Ile644Val (NM_000084.5); c.2140A>G, p.Ile714Val (NM_001127899.4); c.1990A>G, p.Ile664Val (NM_001282163.2); c.1930A>G (NM_000084.2); short protein forms I644V, I664V, I714V.
Identifiers: ClinVar variation 3068699 (VCV003068699.5), dbSNP rs782696367, ClinGen allele CA10413957.

ClinVar aggregate classification (germline): Conflicting classifications of pathogenicity. Review status: criteria provided, conflicting classifications (1 of 4 stars). 3 submissions from 3 submitters: Uncertain significance (2); Likely benign (1). Last evaluated 2025-06-29.

Conditions:
Dent disease type 1 (DENT1). Also called: NEPHROLITHIASIS 2; NEPHROLITHIASIS, HYPERCALCIURIC, X-LINKED. Identifiers: Orphanet 1652, Orphanet 93622, MedGen C1848336, MONDO:0010225, OMIM 300009.
Inborn genetic diseases. Identifiers: MedGen C0950123, MeSH D030342.

Allele frequency attached by ClinVar (database versions not stated): gnomAD 0.00005; gnomAD exomes 0.00005; TOPMed 0.00005; ExAC 0.00017.
gnomAD v4.1: 57 of 1,201,521 alleles (0.0047%); highest among the groups gnomAD compares: South Asian, 0.072%; no homozygotes.

Submissions (3):

Labcorp Genetics (formerly Invitae), Labcorp
Classification: Likely benign. Last evaluated: 2025-06-29. Review status: criteria provided, single submitter. Criteria: Invitae Variant Classification Sherloc (09022015). Collection method: clinical testing. Allele origin: germline.

Ambry Genetics
Classification: Uncertain significance for Inborn genetic diseases. Last evaluated: 2023-12-12. Review status: criteria provided, single submitter. Criteria: Ambry Variant Classification Scheme 2023. Collection method: clinical testing. Allele origin: germline.

Molecular Genetics, Royal Melbourne Hospital
Classification: Uncertain significance for Dent disease type 1. Last evaluated: 2023-10-06. Review status: criteria provided, single submitter. Criteria: ACMG Guidelines, 2015. Collection method: clinical testing. Allele origin: germline. Inheritance: X-linked inheritance.
Comment: This sequence change in CLCN5 is predicted to replace isoleucine with valine at codon 714, p.(Ile714Val). The isoleucine residue is highly conserved (100 vertebrates, UCSC), and is located in the CBS 1 domain. There is a small physicochemical difference between isoleucine and valine. The highest population minor allele frequency in the population database gnomAD v2.1 is 0.09% (15/17,234 alleles, 8 hemizygotes) in the South Asian population. To our knowledge, this variant has not been previously reported in the relevant scientific literature. Computational evidence is uninformative for the missense substitution (REVEL = 0.348). Based on the classification scheme RMH Modified ACMG Guidelines v1.6.1, this variant is classified as a VARIANT OF UNCERTAIN SIGNIFICANCE. Following criteria are met: none.